The following is an entry in ClinVar:

NM_152703.5(SAMD9L):c.2269G>T (p.Asp757Tyr)

Gene: SAMD9L (sterile alpha motif domain containing 9 like; minus strand). Cytogenetic location: 7q21.2.
Variant type: single nucleotide variant.
Coding change: c.2269G>T on transcript NM_152703.5 (MANE Select); coding-DNA position 2269, G replaced by T.
Protein change: p.Asp757Tyr; replaces aspartic acid 757 with tyrosine.
Molecular consequence: missense variant.
Genome position (GRCh38, 1-based): chr7:93,133,703, C>A on the plus strand (G>T on the coding strand, the complement: SAMD9L is on the minus strand). VCF-style: chr7-93133703-C-A. GRCh37 (hg19) VCF-style: chr7-92763016-C-A.
Other names: c.2269G>T, p.Asp757Tyr (NM_001303496.3, NM_001303497.3, NM_001303498.3 and 5 more transcripts); short protein forms D757Y.
Identifiers: ClinVar variation 2699522 (VCV002699522.3), dbSNP rs2535421483, ClinGen allele CA368191783.
Genomic context (GRCh38, chr7:93,133,703, plus strand): 5'-TTTCTGCAAAATCAGTTGTCTTGTTTTTTAACACAGCACATCTGAAGTTTTTCTTTAAGT[C>A]CCAGAGAACATGCATAGCCAGTGTGGTACCTCCACAGCCTGGATGATGATAAAGATTGAT-3'
Protein context (NP_689916.2, residues 747-767): GTTLAMHVLW[Asp757Tyr]LKKNFRCAVL

ClinVar aggregate classification (germline): Uncertain significance (1 of 4 stars; one submission).

Allele frequency attached by ClinVar (database versions not stated): gnomAD exomes below 0.00001.

Submission:

Labcorp Genetics (formerly Invitae), Labcorp
Classification: Uncertain significance. Last evaluated: 2024-07-15. Review status: criteria provided, single submitter. Criteria: Invitae Variant Classification Sherloc (09022015). Collection method: clinical testing. Allele origin: germline.
Comment: This sequence change replaces aspartic acid, which is acidic and polar, with tyrosine, which is neutral and polar, at codon 757 of the SAMD9L protein (p.Asp757Tyr). This variant is not present in population databases (gnomAD no frequency). This variant has not been reported in the literature in individuals affected with SAMD9L-related conditions. Advanced modeling of protein sequence and biophysical properties (such as structural, functional, and spatial information, amino acid conservation, physicochemical variation, residue mobility, and thermodynamic stability) performed at Invitae indicates that this missense variant is expected to disrupt SAMD9L protein function with a positive predictive value of 80%. In summary, the available evidence is currently insufficient to determine the role of this variant in disease. Therefore, it has been classified as a Variant of Uncertain Significance.